The following is an entry in ClinVar:

NM_005245.4(FAT1):c.441G>A (p.Pro147=)

Gene: FAT1 (FAT atypical cadherin 1; minus strand). Cytogenetic location: 4q35.2.
Variant type: single nucleotide variant.
Coding change: c.441G>A on transcript NM_005245.4 (MANE Select); coding-DNA position 441, G replaced by A.
Protein change: p.Pro147=; no amino-acid change (proline 147 retained).
Molecular consequence: synonymous variant.
Genome position (GRCh38, 1-based): chr4:186,709,387, C>T on the plus strand (G>A on the coding strand, the complement: FAT1 is on the minus strand). VCF-style: chr4-186709387-C-T. GRCh37 (hg19) VCF-style: chr4-187630541-C-T.
Other names: c.441G>A (NM_005245.3).
Identifiers: ClinVar variation 1644227 (VCV001644227.7), dbSNP rs201487149, ClinGen allele CA3167670.

ClinVar aggregate classification (germline): Benign. Review status: criteria provided, single submitter (1 of 4 stars). 2 submissions from 2 submitters: Benign (1). 1 of the submissions does not count toward it. Last evaluated 2024-04-09.

Conditions:
FAT1-related disorder. Also called: FAT1-related condition.

Allele frequency attached by ClinVar (database versions not stated): ExAC 0.00007; TOPMed 0.00008; gnomAD 0.00010; gnomAD exomes 0.00016.
gnomAD v4.1: 164 of 1,613,790 alleles (0.01%); highest among the groups gnomAD compares: Non-Finnish European, 0.0057%; no homozygotes.

Submissions (2):

Labcorp Genetics (formerly Invitae), Labcorp
Classification: Benign. Last evaluated: 2024-04-09. Review status: criteria provided, single submitter. Criteria: Invitae Variant Classification Sherloc (09022015). Collection method: clinical testing. Allele origin: germline.

PreventionGenetics, part of Exact Sciences
Classification: Likely benign for FAT1-related condition. Last evaluated: 2023-10-10. Review status: no assertion criteria provided. Collection method: clinical testing. Allele origin: germline. Not counted in ClinVar's aggregate classification.
Comment: This variant is classified as likely benign based on ACMG/AMP sequence variant interpretation guidelines (Richards et al. 2015 PMID: 25741868, with internal and published modifications).